The following is an entry in ClinVar:

ClinVar aggregate classification (germline): Conflicting classifications of pathogenicity. Review status: criteria provided, conflicting classifications (1 of 4 stars). 4 submissions from 4 submitters: Uncertain significance (3); Likely benign (1). Last evaluated 2025-08-28.

Conditions:
Microcephalic osteodysplastic primordial dwarfism type II (MOPD2). Also called: Microcephalic osteodysplastic primordial dwarfism with tooth abnormalities; MOPD II; OSTEODYSPLASTIC PRIMORDIAL DWARFISM, TYPE II. Identifiers: Orphanet 2637, MedGen C0432246, MONDO:0008872, OMIM 210720.
PCNT-related disorder. Also called: PCNT-related condition.

Allele frequency attached by ClinVar (database versions not stated): gnomAD 0.00002 and 0.00005; gnomAD exomes 0.00008; ExAC 0.00018; 1000 Genomes Project 30x 0.00047; 1000 Genomes Project 0.00060.
gnomAD v4.1: 115 of 1,607,534 alleles (0.0072%); highest among the groups gnomAD compares: East Asian, 0.24%; 1 homozygote.

Submissions (4):

PreventionGenetics, part of Exact Sciences
Classification: Likely benign for PCNT-related condition. Last evaluated: 2025-08-28. Review status: criteria provided, single submitter. Criteria: ACMG Guidelines, 2015. Collection method: clinical testing. Allele origin: germline.
Comment: This variant is classified as likely benign based on ACMG/AMP sequence variant interpretation guidelines (Richards et al. 2015 PMID: 25741868, with internal and published modifications).

Labcorp Genetics (formerly Invitae), Labcorp
Classification: Uncertain significance. Last evaluated: 2022-02-25. Review status: criteria provided, single submitter. Criteria: Invitae Variant Classification Sherloc (09022015). Collection method: clinical testing. Allele origin: germline.
Comment: This sequence change replaces arginine, which is basic and polar, with histidine, which is basic and polar, at codon 182 of the PCNT protein (p.Arg182His). This variant is present in population databases (rs193268784, gnomAD 0.2%). This variant has not been reported in the literature in individuals affected with PCNT-related conditions. ClinVar contains an entry for this variant (Variation ID: 897154). Algorithms developed to predict the effect of missense changes on protein structure and function (SIFT, PolyPhen-2, Align-GVGD) all suggest that this variant is likely to be tolerated. In summary, the available evidence is currently insufficient to determine the role of this variant in disease. Therefore, it has been classified as a Variant of Uncertain Significance.

Department of Pathology and Laboratory Medicine, Sinai Health System
Classification: Uncertain significance for Microcephalic osteodysplastic primordial dwarfism type II. Last evaluated: 2021-08-10. Review status: criteria provided, single submitter. Criteria: ACMG Guidelines, 2015. Collection method: research. Allele origin: germline.

Illumina Laboratory Services, Illumina
Classification: Uncertain significance for Microcephalic osteodysplastic primordial dwarfism type II. Last evaluated: 2017-04-28. Review status: criteria provided, single submitter. Criteria: ICSL Variant Classification Criteria 13 December 2019. Collection method: clinical testing. Allele origin: germline.

NM_006031.6(PCNT):c.545G>A (p.Arg182His)

Gene: PCNT (pericentrin; plus strand). Cytogenetic location: 21q22.3.
Variant type: single nucleotide variant.
Coding change: c.545G>A on transcript NM_006031.6 (MANE Select); coding-DNA position 545, G replaced by A.
Protein change: p.Arg182His; replaces arginine 182 with histidine.
Molecular consequence: missense variant.
Genome position (GRCh38, 1-based): chr21:46,334,674, G>A. VCF-style: chr21-46334674-G-A. GRCh37 (hg19) VCF-style: chr21-47754588-G-A.
Other names: c.191G>A, p.Arg64His (NM_001315529.2); short protein forms R64H, R182H.
Identifiers: ClinVar variation 897154 (VCV000897154.7), dbSNP rs193268784, ClinGen allele CA10078296.